The following is an entry in ClinVar:

ClinVar aggregate classification (germline): Pathogenic. Review status: criteria provided, multiple submitters, no conflicts (2 of 4 stars). 2 submissions from 2 submitters: Pathogenic (2). Last evaluated 2025-01-15.

Conditions:
Autosomal dominant intellectual disability-craniofacial anomalies-cardiac defects syndrome (ARTHS). Also called: KAT6A syndrome; Mental retardation, autosomal dominant 32; Arboleda-Tham syndrome. Identifiers: Orphanet 457193, MedGen C4225396, MONDO:0014558, OMIM 616268.

gnomAD v4.1: 1 of 1,612,856 alleles (0.000062%); highest among the groups gnomAD compares: Admixed American, 0.0017%; no homozygotes.

Submissions (2):

GeneDx
Classification: Pathogenic. Last evaluated: 2025-01-15. Review status: criteria provided, single submitter. Criteria: GeneDx Variant Classification Process June 2021. Collection method: clinical testing. Allele origin: germline. Affected: yes.
Comment: Nonsense variant predicted to result in protein truncation or nonsense mediated decay in a gene for which loss of function is a known mechanism of disease; Not observed at significant frequency in large population cohorts (gnomAD); This variant is associated with the following publications: (PMID: 34748993, 34930245, 33739554)

3billion
Classification: Pathogenic for Autosomal dominant intellectual disability-craniofacial anomalies-cardiac defects syndrome. Last evaluated: 2021-11-21. Review status: criteria provided, single submitter. Criteria: ACMG Guidelines, 2015. Collection method: clinical testing. Allele origin: germline. Affected: yes. Observed: 1 heterozygote.
Comment: Stop-gained (nonsense): predicted to result in a loss or disruption of normal protein function through nonsense-mediated decay (NMD) or protein truncation. Multiple pathogenic variants are reported downstream of the variant. It is not observed in the gnomAD v2.1.1 dataset. The variant was observed as assumed (i.e. paternity and maternity not confirmed) de novo (3billion dataset). Therefore, this variant was classfied as pathogenic according to the ACMG guideline.

NM_006766.5(KAT6A):c.1312C>T (p.Arg438Ter)

Gene: KAT6A (lysine acetyltransferase 6A; minus strand). Cytogenetic location: 8p11.21.
Variant type: single nucleotide variant.
Coding change: c.1312C>T on transcript NM_006766.5 (MANE Select); coding-DNA position 1312, C replaced by T.
Protein change: p.Arg438Ter; replaces arginine 438 with a stop codon.
Molecular consequence: nonsense.
Genome position (GRCh38, 1-based): chr8:41,977,059, G>A on the plus strand (C>T on the coding strand, the complement: KAT6A is on the minus strand). VCF-style: chr8-41977059-G-A. GRCh37 (hg19) VCF-style: chr8-41834577-G-A.
Other names: c.1312C>T, p.Arg438Ter (NM_001305878.2); c.1312C>T (NM_006766.3); short protein forms R438*.
Identifiers: ClinVar variation 1325410 (VCV001325410.2), dbSNP rs2150886359, ClinGen allele CA371075646.